The following is an entry in ClinVar:

NM_152490.5(B3GALNT2):c.458A>G (p.Tyr153Cys)

Gene: B3GALNT2 (beta-1,3-N-acetylgalactosaminyltransferase 2; minus strand). Cytogenetic location: 1q42.3.
Variant type: single nucleotide variant.
Coding change: c.458A>G on transcript NM_152490.5 (MANE Select); coding-DNA position 458, A replaced by G.
Protein change: p.Tyr153Cys; replaces tyrosine 153 with cysteine.
Molecular consequence: missense variant.
Genome position (GRCh38, 1-based): chr1:235,484,419, T>C on the plus strand (A>G on the coding strand, the complement: B3GALNT2 is on the minus strand). VCF-style: chr1-235484419-T-C. GRCh37 (hg19) VCF-style: chr1-235647735-T-C.
Other names: c.581A>G, p.Tyr194Cys (NM_001277155.3); c.458A>G (NM_152490.2); short protein forms Y194C, Y153C.
Identifiers: ClinVar variation 951310 (VCV000951310.6), dbSNP rs757111780, ClinGen allele CA1464903.
Genomic context (GRCh38, chr1:235,484,419, plus strand): 5'-CTCTGGAAACCCACATCATTGGCATCGTAGAACACTCCAAGACTGGTAATAACGATGGGG[T>C]AGAGAACTCGGAAACTCACGCTGACAACTCGATCCTCAGGCAGCCCCGATGAAGTGTCTT-3'
Protein context (NP_689703.1, residues 143-163): RVVSVSFRVL[Tyr153Cys]PIVITSLGVF

ClinVar aggregate classification (germline): Uncertain significance. Review status: criteria provided, multiple submitters, no conflicts (2 of 4 stars). 2 submissions from 2 submitters: Uncertain significance (2). Last evaluated 2025-01-06.

Conditions:
Muscular dystrophy-dystroglycanopathy (congenital with brain and eye anomalies), type a, 11 (MDDGA11). Also called: Muscular dystrophy-dystroglycanopathy (congenital with brain and eye anomalies, type A, 11; Congenital muscular dystrophy-dystroglycanopathy with brain and eye anomalies, type A11; WALKER-WARBURG SYNDROME OR MUSCLE-EYE-BRAIN DISEASE, B3GALNT2-RELATED. Identifiers: Orphanet 588, Orphanet 899, MedGen C3554638, MONDO:0014071, OMIM 615181.
Inborn genetic diseases. Identifiers: MedGen C0950123, MeSH D030342.

Allele frequency attached by ClinVar (database versions not stated): TOPMed 0.00002.
gnomAD v4.1: 18 of 1,614,026 alleles (0.0011%); highest among the groups gnomAD compares: Admixed American, 0.015%; no homozygotes.

Submissions (2):

Labcorp Genetics (formerly Invitae), Labcorp
Classification: Uncertain significance for Muscular dystrophy-dystroglycanopathy (congenital with brain and eye anomalies), type a, 11. Last evaluated: 2025-01-06. Review status: criteria provided, single submitter. Criteria: Invitae Variant Classification Sherloc (09022015). Collection method: clinical testing. Allele origin: germline.
Comment: This sequence change replaces tyrosine, which is neutral and polar, with cysteine, which is neutral and slightly polar, at codon 153 of the B3GALNT2 protein (p.Tyr153Cys). This variant is present in population databases (rs757111780, gnomAD 0.01%). This variant has not been reported in the literature in individuals affected with B3GALNT2-related conditions. ClinVar contains an entry for this variant (Variation ID: 951310). Invitae Evidence Modeling of protein sequence and biophysical properties (such as structural, functional, and spatial information, amino acid conservation, physicochemical variation, residue mobility, and thermodynamic stability) indicates that this missense variant is not expected to disrupt B3GALNT2 protein function with a negative predictive value of 80%. In summary, the available evidence is currently insufficient to determine the role of this variant in disease. Therefore, it has been classified as a Variant of Uncertain Significance.

Ambry Genetics
Classification: Uncertain significance for Inborn genetic diseases. Last evaluated: 2024-01-09. Review status: criteria provided, single submitter. Criteria: Ambry Variant Classification Scheme 2023. Collection method: clinical testing. Allele origin: germline.